The following is an entry in ClinVar:

ClinVar aggregate classification (germline): Pathogenic/Likely pathogenic. Review status: criteria provided, multiple submitters, no conflicts (2 of 4 stars). 2 submissions from 2 submitters: Pathogenic (1); Likely pathogenic (1). Last evaluated 2022-05-27.

Conditions:
COL9A1-related disorder. Also called: COL9A1-related condition; COL9A1-related disorders.

Submissions (2):

Labcorp Genetics (formerly Invitae), Labcorp
Classification: Pathogenic. Last evaluated: 2022-05-27. Review status: criteria provided, single submitter. Criteria: Invitae Variant Classification Sherloc (09022015). Collection method: clinical testing. Allele origin: germline.
Comment: For these reasons, this variant has been classified as Pathogenic. This variant has not been reported in the literature in individuals affected with COL9A1-related conditions. This variant is not present in population databases (gnomAD no frequency). This sequence change creates a premature translational stop signal (p.Ala788Hisfs*34) in the COL9A1 gene. It is expected to result in an absent or disrupted protein product. Loss-of-function variants in COL9A1 are known to be pathogenic (PMID: 16909383, 21421862).

Blueprint Genetics
Classification: Likely pathogenic for COL9A1-related disorders. Last evaluated: 2022-04-03. Review status: criteria provided, single submitter. Criteria: ACMG Guidelines, 2015. Collection method: clinical testing. Allele origin: germline. Affected: yes. Observed: 1 variant allele.

Literature cited by the submitters: PubMed 16909383 (cited by Labcorp Genetics (formerly Invitae), Labcorp); PubMed 21421862 (cited by Labcorp Genetics (formerly Invitae), Labcorp).

NM_001851.6(COL9A1):c.2361_2362del (p.Ala788fs)

Gene: COL9A1 (collagen type IX alpha 1 chain; minus strand). Cytogenetic location: 6q13.
Variant type: Deletion.
Coding change: c.2361_2362del on transcript NM_001851.6 (MANE Select); coding-DNA positions 2361 to 2362, 2 bases deleted (TG; older notation c.2361_2362delTG).
Protein change: p.Ala788fs; shifts the reading frame from alanine 788.
Molecular consequence: frameshift variant. On other transcripts: non-coding transcript variant (1).
Genome position (GRCh38, 1-based): chr6:70,232,724-70,232,725, CA deleted on the plus strand (TG on the coding strand, the reverse complement: COL9A1 is on the minus strand); deleting any 2 consecutive bases within chr6:70,232,724-70,232,726 gives the same sequence; the c. name uses the placement nearest the transcript's 3' end. VCF-style (leftmost placement, unchanged base first): chr6-70232723-GCA-G. GRCh37 (hg19) VCF-style: chr6-70942426-GCA-G.
Other names: c.1662_1663del, p.Ala555fs (NM_001377289.1); c.1485_1486del, p.Ala496fs (NM_001377290.1); c.1632_1633del, p.Ala545fs (NM_078485.4); short protein forms A555fs, A496fs, A545fs, A788fs.
Identifiers: ClinVar variation 1999289 (VCV001999289.5), dbSNP rs1769631840, ClinGen allele CA1090276609.